The following is an entry in ClinVar:

ClinVar aggregate classification (germline): Uncertain significance (1 of 4 stars; one submission).

Submission:

Labcorp Genetics (formerly Invitae), Labcorp
Classification: Uncertain significance. Last evaluated: 2024-06-24. Review status: criteria provided, single submitter. Criteria: Invitae Variant Classification Sherloc (09022015). Collection method: clinical testing. Allele origin: germline.
Comment: This sequence change falls in intron 1 of the MSH3 gene. It does not directly change the encoded amino acid sequence of the MSH3 protein. It affects a nucleotide within the consensus splice site. This variant is not present in population databases (gnomAD no frequency). This variant has not been reported in the literature in individuals affected with MSH3-related conditions. Variants that disrupt the consensus splice site are a relatively common cause of aberrant splicing (PMID: 17576681, 9536098). Algorithms developed to predict the effect of sequence changes on RNA splicing suggest that this variant may disrupt the consensus splice site. In summary, the available evidence is currently insufficient to determine the role of this variant in disease. Therefore, it has been classified as a Variant of Uncertain Significance.

Literature cited by the submitters: PubMed 17576681; PubMed 9536098.

NM_002439.5(MSH3):c.238-3T>G

Gene: MSH3 (mutS homolog 3; plus strand). Cytogenetic location: 5q14.1.
Variant type: single nucleotide variant.
Coding change: c.238-3T>G on transcript NM_002439.5 (MANE Select); 3 bases into the intron before coding-DNA position 238, T replaced by G.
Molecular consequence: intron variant.
Genome position (GRCh38, 1-based): chr5:80,656,408, T>G. VCF-style: chr5-80656408-T-G. GRCh37 (hg19) VCF-style: chr5-79952227-T-G.
Identifiers: ClinVar variation 3643423 (VCV003643423.2).
Genomic context (GRCh38, chr5:80,656,408, plus strand): 5'-TCACATACGTCAGGCCTTCTCAGAGTAGAGATAACACATCATTTTCTAACCTTCCCGATA[T>G]AGGCTACAGAAATTGACAGAAGAAAGAAGAGACCATTGGAAAATGATGGGCCTGTTAAAA-3'